The following is an entry in ClinVar:

ClinVar aggregate classification (germline): Conflicting classifications of pathogenicity. Review status: criteria provided, conflicting classifications (1 of 4 stars). 13 submissions from 13 submitters: Uncertain significance (3); Benign (1); Likely benign (6). 3 of the submissions do not count toward it. Last evaluated 2026-02-02.

Conditions:
TTN-related disorder. Also called: TTN-related condition; TTN-related disease; TTN-related disorders.
Dilated cardiomyopathy 1G (CMD1G). Identifiers: Orphanet 154, MedGen C1858763, MONDO:0011400, OMIM 604145.
Autosomal recessive limb-girdle muscular dystrophy type 2J (LGMDR10). Also called: Limb-girdle muscular dystrophy, type 2J; MUSCULAR DYSTROPHY, LIMB-GIRDLE, AUTOSOMAL RECESSIVE 10. Identifiers: Orphanet 140922, MedGen C1837342, MONDO:0012127, OMIM 608807.
Cardiovascular phenotype. Identifiers: MedGen CN230736.
Cardiomyopathy (CMYO). Also called: Cardiomyopathies. Identifiers: Orphanet 167848, MedGen C0878544, MONDO:0004994, HP:0001638. Inheritance: Various modes of inheritance.

Allele frequency attached by ClinVar (database versions not stated): gnomAD exomes 0.00015; ExAC 0.00016; 1000 Genomes Project 0.00020; gnomAD 0.00038 and 0.00045; ESP Exome Variant Server 0.00054; TOPMed 0.00054; 1000 Genomes Project 30x 0.00062.
gnomAD v4.1: 141 of 1,614,082 alleles (0.0087%); highest among the groups gnomAD compares: African/African-American, 0.14%; no homozygotes.

Submissions (13):

Labcorp Genetics (formerly Invitae), Labcorp
Classification: Likely benign for Dilated cardiomyopathy 1G; Autosomal recessive limb-girdle muscular dystrophy type 2J. Last evaluated: 2026-02-02. Review status: criteria provided, single submitter. Criteria: Invitae Variant Classification Sherloc (09022015). Collection method: clinical testing. Allele origin: germline.

PreventionGenetics, part of Exact Sciences
Classification: Likely benign for TTN-related condition. Last evaluated: 2025-06-18. Review status: criteria provided, single submitter. Criteria: ACMG Guidelines, 2015. Collection method: clinical testing. Allele origin: germline.
Comment: This variant is classified as likely benign based on ACMG/AMP sequence variant interpretation guidelines (Richards et al. 2015 PMID: 25741868, with internal and published modifications).

Molecular Diagnostic Laboratory for Inherited Cardiovascular Disease, Montreal Heart Institute
Classification: Likely benign. Last evaluated: 2025-04-09. Review status: criteria provided, single submitter. Criteria: ACMG Guidelines, 2015. Collection method: clinical testing. Allele origin: germline. Affected: no.

CHEO Genetics Diagnostic Laboratory, Children's Hospital of Eastern Ontario
Classification: Benign for Cardiomyopathy. Last evaluated: 2023-05-16. Review status: criteria provided, single submitter. Criteria: ACMG Guidelines, 2015. Collection method: clinical testing. Allele origin: germline. Study: Canadian Open Genetics Repository.

Blueprint Genetics
Classification: Likely benign. Last evaluated: 2022-03-18. Review status: criteria provided, single submitter. Criteria: ACMG Guidelines, 2015. Collection method: clinical testing. Allele origin: germline.

Mayo Clinic Laboratories, Mayo Clinic
Classification: Uncertain significance. Last evaluated: 2022-03-15. Review status: criteria provided, single submitter. Criteria: ACMG Guidelines, 2015. Collection method: clinical testing. Allele origin: germline. Observed: 2 variant alleles.
Comment: BS1

Ambry Genetics
Classification: Likely benign for Cardiovascular phenotype. Last evaluated: 2019-07-20. Review status: criteria provided, single submitter. Criteria: Ambry Variant Classification Scheme 2023. Collection method: clinical testing. Allele origin: germline.

Revvity Omics, Revvity
Classification: Uncertain significance. Last evaluated: 2019-06-19. Review status: criteria provided, single submitter. Criteria: ACMG Guidelines, 2015. Collection method: clinical testing. Allele origin: germline.

Eurofins Ntd Llc (ga)
Classification: Uncertain significance. Last evaluated: 2018-02-27. Review status: criteria provided, single submitter. Criteria: EGL ClinVar v180209 classification definitions. Collection method: clinical testing. Allele origin: germline. Observed: 5 variant alleles, 5 heterozygotes.

GeneDx
Classification: Likely benign. Last evaluated: 2018-01-03. Review status: criteria provided, single submitter. Criteria: GeneDx Variant Classification (06012015). Collection method: clinical testing. Allele origin: germline. Affected: yes.
Comment: This variant is considered likely benign or benign based on one or more of the following criteria: it is a conservative change, it occurs at a poorly conserved position in the protein, it is predicted to be benign by multiple in silico algorithms, and/or has population frequency not consistent with disease.

Clinical Genetics DNA and cytogenetics Diagnostics Lab, Erasmus MC, Erasmus Medical Center
Classification: Likely benign. Review status: no assertion criteria provided. Collection method: clinical testing. Allele origin: germline. Affected: yes. Study: VKGL Data-share Consensus. Not counted in ClinVar's aggregate classification.

Clinical Genetics, Academic Medical Center
Classification: Likely benign. Review status: no assertion criteria provided. Collection method: clinical testing. Allele origin: germline. Affected: yes. Study: VKGL Data-share Consensus. Not counted in ClinVar's aggregate classification.

Diagnostic Laboratory, Department of Genetics, University Medical Center Groningen
Classification: Likely benign. Review status: no assertion criteria provided. Collection method: clinical testing. Allele origin: germline. Affected: yes. Study: VKGL Data-share Consensus. Not counted in ClinVar's aggregate classification.

NM_001267550.2(TTN):c.10049C>T (p.Pro3350Leu)

Gene: TTN (titin; minus strand). Cytogenetic location: 2q31.2.
Variant type: single nucleotide variant.
Coding change: c.10049C>T on transcript NM_001267550.2 (MANE Select); coding-DNA position 10049, C replaced by T.
Protein change: p.Pro3350Leu; replaces proline 3350 with leucine.
Molecular consequence: missense variant.
Genome position (GRCh38, 1-based): chr2:178,764,242, G>A on the plus strand (C>T on the coding strand, the complement: TTN is on the minus strand). VCF-style: chr2-178764242-G-A. GRCh37 (hg19) VCF-style: chr2-179628969-G-A.
Other names: p.P3350L:CCG>CTG; p.Pro3350Leu; c.10049C>T, p.Pro3350Leu (NM_001256850.1, NM_133378.4, NM_133379.5); c.9911C>T, p.Pro3304Leu (NM_003319.4, NM_133432.3, NM_133437.4); short protein forms P3350L, P3304L.
Identifiers: ClinVar variation 203174 (VCV000203174.32), dbSNP rs139504522, ClinGen allele CA311577.